The following is an entry in ClinVar:

ClinVar aggregate classification (germline): Uncertain significance. Review status: criteria provided, multiple submitters, no conflicts (2 of 4 stars). 2 submissions from 2 submitters: Uncertain significance (2). Last evaluated 2024-02-26.

Submissions (2):

GeneDx
Classification: Uncertain significance. Last evaluated: 2024-02-26. Review status: criteria provided, single submitter. Criteria: GeneDx Variant Classification Process June 2021. Collection method: clinical testing. Allele origin: germline. Affected: yes.
Comment: Not observed at significant frequency in large population cohorts (gnomAD); In silico analysis supports that this missense variant does not alter protein structure/function; Has not been previously published as pathogenic or benign to our knowledge; Also known as 8759A>C; This variant is associated with the following publications: (PMID: 12228710)

Women's Health and Genetics/Laboratory Corporation of America, LabCorp
Classification: Uncertain significance. Last evaluated: 2017-12-21. Review status: criteria provided, single submitter. Criteria: LabCorp Variant Classification Summary - May 2015. Collection method: clinical testing. Allele origin: germline.
Comment: Variant summary: The BRCA2 c.8531A>C (p.Glu2844Ala) variant involves the alteration of a conserved nucleotide located in the Tower domain of the protein (InterPro). 4/5 in silico tools predict a damaging outcome for this variant. This variant is absent in 245916 control chromosomes. The variant of interest has not, to our knowledge, been reported in affected individuals via publications and/or reputable databases/clinical diagnostic laboratories; nor evaluated for functional impact by in vivo/vitro studies. Because of the absence of clinical information and the lack of functional studies, the variant is classified as a variant of uncertain significance (VUS) until additional information becomes available.

NM_000059.4(BRCA2):c.8531A>C (p.Glu2844Ala)

Gene: BRCA2 (BRCA2 DNA repair associated; plus strand). Cytogenetic location: 13q13.1.
Variant type: single nucleotide variant.
Coding change: c.8531A>C on transcript NM_000059.4 (MANE Select); coding-DNA position 8531, A replaced by C.
Protein change: p.Glu2844Ala; replaces glutamic acid 2844 with alanine.
Molecular consequence: missense variant.
Genome position (GRCh38, 1-based): chr13:32,370,999, A>C. VCF-style: chr13-32370999-A-C. GRCh37 (hg19) VCF-style: chr13-32945136-A-C.
Other names: short protein forms E2844A.
Identifiers: ClinVar variation 633125 (VCV000633125.2), dbSNP rs900871740, ClinGen allele CA387752736.
Genomic context (GRCh38, chr13:32,370,999, plus strand): 5'-GTAACACATTATTACAGTGGATGGAGAAGACATCATCTGGATTATACATATTTCGCAATG[A>C]AAGAGAGGAAGAAAAGGAAGCAGCAAAATATGTGGAGGCCCAACAAAAGAGACTAGAAGC-3'
Protein context (NP_000050.3, residues 2834-2854): TSSGLYIFRN[Glu2844Ala]REEEKEAAKY